The following is an entry in ClinVar:

NM_000093.5(COL5A1):c.2647G>A (p.Gly883Ser)

Gene: COL5A1 (collagen type V alpha 1 chain; plus strand). Cytogenetic location: 9q34.3.
Variant type: single nucleotide variant.
Coding change: c.2647G>A on transcript NM_000093.5 (MANE Select); coding-DNA position 2647, G replaced by A.
Protein change: p.Gly883Ser; replaces glycine 883 with serine.
Molecular consequence: missense variant.
Genome position (GRCh38, 1-based): chr9:134,789,155, G>A. VCF-style: chr9-134789155-G-A. GRCh37 (hg19) VCF-style: chr9-137681001-G-A.
Other names: c.2647G>A, p.Gly883Ser (NM_001278074.1); short protein forms G883S.
Identifiers: ClinVar variation 2991592 (VCV002991592.3), dbSNP rs2490740168, ClinGen allele CA375455726.
Genomic context (GRCh38, chr9:134,789,155, plus strand): 5'-CATGCAGCATGACTCATTCCTGGCCCAGCTCTGATGCCTCCTCCTTAAACTCTCTTTCAG[G>A]GCTCTATTGGATTCCCTGGATTTCCTGGCGCCAATGGAGAGAAGGGCGGCAGGGTAAGGA-3'
Protein context (NP_000084.3, residues 873-893): PGYPGRQGPK[Gly883Ser]SIGFPGFPGA

ClinVar aggregate classification (germline): Uncertain significance (1 of 4 stars; one submission).

Conditions:
Ehlers-Danlos syndrome, classic type, 1 (EDSCL1). Also called: EDS I; EHLERS-DANLOS SYNDROME, GRAVIS TYPE; EHLERS-DANLOS SYNDROME, SEVERE CLASSIC TYPE; Ehlers-Danlos syndrome, type 1; Ehlers-Danlos Syndrome, Classic Type, COL5A1-Related. Identifiers: MedGen C0268335, MONDO:0019567, OMIM 130000.

Submission:

Labcorp Genetics (formerly Invitae), Labcorp
Classification: Uncertain significance for Ehlers-Danlos syndrome, classic type, 1. Last evaluated: 2022-12-12. Review status: criteria provided, single submitter. Criteria: Invitae Variant Classification Sherloc (09022015). Collection method: clinical testing. Allele origin: germline.
Comment: In summary, the available evidence is currently insufficient to determine the role of this variant in disease. Therefore, it has been classified as a Variant of Uncertain Significance. This variant disrupts the triple helix domain of COL5A1. Glycine residues within the Gly-Xaa-Yaa repeats of the triple helix domain are required for the structure and stability of fibrillar collagens (PMID: 7695699, 8218237, 19344236), and variants at these glycine residues in COL5A1 are more frequently observed in individuals with disease than in the general population (PMID: 22696272, 23587214). However, the clinical significance of this observation remains uncertain since only a limited number of affected individuals have been described to date. Algorithms developed to predict the effect of missense changes on protein structure and function are either unavailable or do not agree on the potential impact of this missense change (SIFT: "Tolerated"; PolyPhen-2: "Not Available"; Align-GVGD: "Class C0"). This variant has not been reported in the literature in individuals affected with COL5A1-related conditions. This variant is not present in population databases (gnomAD no frequency). This sequence change replaces glycine, which is neutral and non-polar, with serine, which is neutral and polar, at codon 883 of the COL5A1 protein (p.Gly883Ser).

Literature cited by the submitters: PubMed 7695699; PubMed 8218237; PubMed 19344236; PubMed 22696272; PubMed 23587214.